The following is an entry in ClinVar:

ClinVar aggregate classification (germline): Pathogenic (1 of 4 stars; one submission).

Conditions:
Microcephaly, normal intelligence and immunodeficiency (NBS). Also called: BERLIN BREAKAGE SYNDROME; Immunodeficiency, microcephaly with normal intelligence; IMMUNODEFICIENCY, MICROCEPHALY, AND CHROMOSOMAL INSTABILITY; SEEMANOVA SYNDROME II; Ataxia telangiectasia variant V1; Nijmegen breakage syndrome. Identifiers: Orphanet 647, MedGen C0398791, MONDO:0009623, OMIM 251260.

Submission:

Labcorp Genetics (formerly Invitae), Labcorp
Classification: Pathogenic for Microcephaly, normal intelligence and immunodeficiency. Last evaluated: 2021-10-09. Review status: criteria provided, single submitter. Criteria: Invitae Variant Classification Sherloc (09022015). Collection method: clinical testing. Allele origin: germline.
Comment: For these reasons, this variant has been classified as Pathogenic. This sequence change creates a premature translational stop signal (p.Lys665*) in the NBN gene. It is expected to result in an absent or disrupted protein product. Loss-of-function variants in NBN are known to be pathogenic (PMID: 9590180, 16415040). This variant is not present in population databases (ExAC no frequency). This variant has not been reported in the literature in individuals with NBN-related conditions.

Literature cited by the submitters: PubMed 9590180; PubMed 16415040.

NM_002485.5(NBN):c.1992dup (p.Lys665Ter)

Gene: NBN (nibrin; minus strand). Cytogenetic location: 8q21.3.
Variant type: Duplication.
Coding change: c.1992dup on transcript NM_002485.5 (MANE Select); coding-DNA position 1992, one base duplicated (T; older notation c.1992dupT).
Protein change: p.Lys665Ter; replaces lysine 665 with a stop codon.
Molecular consequence: nonsense.
Genome position (GRCh38, 1-based): chr8:89,946,218, A duplicated on the plus strand (T on the coding strand, the reverse complement: NBN is on the minus strand); the first of 2 consecutive A bases (chr8:89,946,218-89,946,219); duplicating either gives the same sequence. VCF-style (leftmost placement, unchanged base first): chr8-89946217-T-TA. GRCh37 (hg19) VCF-style: chr8-90958445-T-TA.
Other names: c.1746dup, p.Lys583Ter (NM_001024688.3); short protein forms K665*, K583*.
Identifiers: ClinVar variation 1455009 (VCV001455009.6), dbSNP rs2129647777, ClinGen allele CA2573143341.